The following is an entry in ClinVar:

NM_032806.6(POMGNT2):c.442T>C (p.Phe148Leu)

Gene: POMGNT2 (protein O-linked mannose N-acetylglucosaminyltransferase 2 (beta 1,4-); minus strand). Cytogenetic location: 3p22.1.
Variant type: single nucleotide variant.
Coding change: c.442T>C on transcript NM_032806.6 (MANE Select); coding-DNA position 442, T replaced by C.
Protein change: p.Phe148Leu; replaces phenylalanine 148 with leucine.
Molecular consequence: missense variant.
Genome position (GRCh38, 1-based): chr3:43,080,990, A>G on the plus strand (T>C on the coding strand, the complement: POMGNT2 is on the minus strand). VCF-style: chr3-43080990-A-G. GRCh37 (hg19) VCF-style: chr3-43122482-A-G.
Other names: short protein forms F148L.
Identifiers: ClinVar variation 645264 (VCV000645264.5), dbSNP rs1575462833, ClinGen allele CA352303226.
Genomic context (GRCh38, chr3:43,080,990, plus strand): 5'-AGACGTGCATGAGGTTGTCGGGGTTGAAGCGGTTGGCGATGAGGGCCACGTCTGGCACGA[A>G]CACCGGCTTGGGCATGAAGCGCAGGGCAGCAGCAGGCAGCTCCACGAAGTTGAAGTACTG-3'
Protein context (NP_116195.2, residues 138-158): AALRFMPKPV[Phe148Leu]VPDVALIANR

ClinVar aggregate classification (germline): Uncertain significance (1 of 4 stars; one submission).

Conditions:
Muscular dystrophy-dystroglycanopathy (congenital with brain and eye anomalies), type a, 8 (MDDGA8). Also called: WALKER-WARBURG SYNDROME OR MUSCLE-EYE-BRAIN DISEASE, GTDC2-RELATED. Identifiers: Orphanet 899, MedGen C3553813, MONDO:0013904, OMIM 614830.

Submission:

Labcorp Genetics (formerly Invitae), Labcorp
Classification: Uncertain significance for Muscular dystrophy-dystroglycanopathy (congenital with brain and eye anomalies), type a, 8. Last evaluated: 2022-03-09. Review status: criteria provided, single submitter. Criteria: Invitae Variant Classification Sherloc (09022015). Collection method: clinical testing. Allele origin: germline.
Comment: In summary, the available evidence is currently insufficient to determine the role of this variant in disease. Therefore, it has been classified as a Variant of Uncertain Significance. Algorithms developed to predict the effect of missense changes on protein structure and function output the following: SIFT: "Deleterious"; PolyPhen-2: "Benign"; Align-GVGD: "Class C15". The leucine amino acid residue is found in multiple mammalian species, which suggests that this missense change does not adversely affect protein function. ClinVar contains an entry for this variant (Variation ID: 645264). This variant has not been reported in the literature in individuals affected with POMGNT2-related conditions. This variant is not present in population databases (gnomAD no frequency). This sequence change replaces phenylalanine, which is neutral and non-polar, with leucine, which is neutral and non-polar, at codon 148 of the POMGNT2 protein (p.Phe148Leu).